The following is an entry in ClinVar:

NM_024105.4(ALG12):c.841C>A (p.Leu281Met)

Gene: ALG12 (ALG12 alpha-1,6-mannosyltransferase; minus strand). Cytogenetic location: 22q13.33.
Variant type: single nucleotide variant.
Coding change: c.841C>A on transcript NM_024105.4 (MANE Select); coding-DNA position 841, C replaced by A.
Protein change: p.Leu281Met; replaces leucine 281 with methionine.
Molecular consequence: missense variant.
Genome position (GRCh38, 1-based): chr22:49,907,872, G>T on the plus strand (C>A on the coding strand, the complement: ALG12 is on the minus strand). VCF-style: chr22-49907872-G-T. GRCh37 (hg19) VCF-style: chr22-50301520-G-T.
Other names: short protein forms L281M.
Identifiers: ClinVar variation 1505929 (VCV001505929.5), dbSNP rs775415771, ClinGen allele CA412073783.
Genomic context (GRCh38, chr22:49,907,872, plus strand): 5'-GTGCCATGAAGCCCAGTGCCAGCACCGTCGGCGCGTGCGTCCTTCTGTCTACCAAGCCCA[G>T]GGGGATGAAGAGCAGGCTGCAGCCCAGGCCGCGGGGCAGGGCTGAGTAGAAGTACCACAG-3'
Protein context (NP_077010.1, residues 271-291): GLGCSLLFIP[Leu281Met]GLVDRRTHAP

ClinVar aggregate classification (germline): Uncertain significance (1 of 4 stars; one submission).

Conditions:
ALG12-congenital disorder of glycosylation (CDG1G). Also called: Congenital disorder of glycosylation, type Ig; ALG12-CDG; CDG Ig. Identifiers: Orphanet 79324, MedGen C2931001, MONDO:0011783, OMIM 607143.

Allele frequency attached by ClinVar (database versions not stated): gnomAD 0.00001; TOPMed 0.00001.
gnomAD v4.1: 1 of 1,613,802 alleles (0.000062%); highest among the groups gnomAD compares: Admixed American, 0.0017%; no homozygotes.

Submission:

Labcorp Genetics (formerly Invitae), Labcorp
Classification: Uncertain significance for ALG12-congenital disorder of glycosylation. Last evaluated: 2025-04-14. Review status: criteria provided, single submitter. Criteria: Invitae Variant Classification Sherloc (09022015). Collection method: clinical testing. Allele origin: germline.
Comment: This sequence change replaces leucine, which is neutral and non-polar, with methionine, which is neutral and non-polar, at codon 281 of the ALG12 protein (p.Leu281Met). This variant is not present in population databases (gnomAD no frequency). This variant has not been reported in the literature in individuals affected with ALG12-related conditions. ClinVar contains an entry for this variant (Variation ID: 1505929). Invitae Evidence Modeling of protein sequence and biophysical properties (such as structural, functional, and spatial information, amino acid conservation, physicochemical variation, residue mobility, and thermodynamic stability) indicates that this missense variant is not expected to disrupt ALG12 protein function with a negative predictive value of 80%. In summary, the available evidence is currently insufficient to determine the role of this variant in disease. Therefore, it has been classified as a Variant of Uncertain Significance.